The following is an entry in ClinVar:

NM_005228.5(EGFR):c.861T>G (p.Phe287Leu)

Gene: EGFR (epidermal growth factor receptor; plus strand). Cytogenetic location: 7p11.2.
Variant type: single nucleotide variant.
Coding change: c.861T>G on transcript NM_005228.5 (MANE Select); coding-DNA position 861, T replaced by G.
Protein change: p.Phe287Leu; replaces phenylalanine 287 with leucine.
Molecular consequence: missense variant. On other transcripts: intron variant (1).
Genome position (GRCh38, 1-based): chr7:55,154,124, T>G. VCF-style: chr7-55154124-T-G. GRCh37 (hg19) VCF-style: chr7-55221817-T-G.
Other names: c.726T>G, p.Phe242Leu (NM_001346897.2, NM_001346899.2); c.861T>G, p.Phe287Leu (NM_001346898.2, NM_201282.2, NM_201283.2 and 1 more transcripts); c.702T>G, p.Phe234Leu (NM_001346900.2); c.89-1706T>G (NM_001346941.2); short protein forms F234L, F287L, F242L.
Identifiers: ClinVar variation 4639443 (VCV004639443.1).

ClinVar aggregate classification (germline): Uncertain significance (1 of 4 stars; one submission).

Conditions:
Hereditary cancer-predisposing syndrome. Also called: Neoplastic Syndromes, Hereditary; Tumor predisposition; Hereditary Cancer Syndrome; Hereditary neoplastic syndrome. Identifiers: Orphanet 140162, MedGen C0027672, MeSH D009386, MONDO:0015356.

Submission:

Ambry Genetics
Classification: Uncertain significance for Hereditary cancer-predisposing syndrome. Last evaluated: 2025-11-08. Review status: criteria provided, single submitter. Criteria: Ambry Variant Classification Scheme 2023. Collection method: clinical testing. Allele origin: germline.
Comment: The p.F287L variant (also known as c.861T>G), located in coding exon 7 of the EGFR gene, results from a T to G substitution at nucleotide position 861. The phenylalanine at codon 287 is replaced by leucine, an amino acid with highly similar properties. This amino acid position is conserved. In addition, the in silico prediction for this alteration is inconclusive. Based on the available evidence, the clinical significance of this variant remains unclear.